The following is an entry in ClinVar:

ClinVar aggregate classification (germline): Uncertain significance. Review status: criteria provided, multiple submitters, no conflicts (2 of 4 stars). 2 submissions from 2 submitters: Uncertain significance (2). Last evaluated 2025-06-05.

Conditions:
Hereditary cancer-predisposing syndrome. Also called: Hereditary neoplastic syndrome; Hereditary Cancer Syndrome; Neoplastic Syndromes, Hereditary; Tumor predisposition. Identifiers: Orphanet 140162, MedGen C0027672, MeSH D009386, MONDO:0015356.
Familial adenomatous polyposis 1 (FAP1). Also called: POLYPOSIS, ADENOMATOUS INTESTINAL; FAMILIAL ADENOMATOUS POLYPOSIS 1, ATTENUATED. Identifiers: MedGen C2713442, MONDO:0021056, OMIM 175100. Disease mechanism: loss of function.

Submissions (2):

Labcorp Genetics (formerly Invitae), Labcorp
Classification: Uncertain significance for Familial adenomatous polyposis 1. Last evaluated: 2025-06-05. Review status: criteria provided, single submitter. Criteria: Invitae Variant Classification Sherloc (09022015). Collection method: clinical testing. Allele origin: germline.
Comment: This sequence change replaces serine, which is neutral and polar, with threonine, which is neutral and polar, at codon 908 of the APC protein (p.Ser908Thr). This variant is not present in population databases (gnomAD no frequency). This variant has not been reported in the literature in individuals affected with APC-related conditions. ClinVar contains an entry for this variant (Variation ID: 2566955). Invitae Evidence Modeling of protein sequence and biophysical properties (such as structural, functional, and spatial information, amino acid conservation, physicochemical variation, residue mobility, and thermodynamic stability) indicates that this missense variant is not expected to disrupt APC protein function with a negative predictive value of 95%. In summary, the available evidence is currently insufficient to determine the role of this variant in disease. Therefore, it has been classified as a Variant of Uncertain Significance.

Ambry Genetics
Classification: Uncertain significance for Hereditary cancer-predisposing syndrome. Last evaluated: 2023-04-03. Review status: criteria provided, single submitter. Criteria: Ambry Variant Classification Scheme 2023. Collection method: clinical testing. Allele origin: germline.
Comment: The p.S908T variant (also known as c.2722T>A), located in coding exon 15 of the APC gene, results from a T to A substitution at nucleotide position 2722. The serine at codon 908 is replaced by threonine, an amino acid with similar properties. This amino acid position is conserved. In addition, in silico predictors for this gene do not accurately predict pathogenicity. Since supporting evidence is limited at this time, the clinical significance of this alteration remains unclear.

NM_000038.6(APC):c.2722T>A (p.Ser908Thr)

Gene: APC (APC regulator of Wnt signaling pathway; plus strand). Cytogenetic location: 5q22.2.
Variant type: single nucleotide variant.
Coding change: c.2722T>A on transcript NM_000038.6 (MANE Select); coding-DNA position 2722, T replaced by A.
Protein change: p.Ser908Thr; replaces serine 908 with threonine.
Molecular consequence: missense variant. On other transcripts: non-coding transcript variant (2).
Genome position (GRCh38, 1-based): chr5:112,838,316, T>A. VCF-style: chr5-112838316-T-A. GRCh37 (hg19) VCF-style: chr5-112174013-T-A.
Other names: c.2776T>A, p.Ser926Thr (NM_001407447.1, NM_001407448.1, NM_001407449.1 and 1 more transcripts); c.2545T>A, p.Ser849Thr (NM_001407453.1, NM_001354901.2); c.2473T>A, p.Ser825Thr (NM_001407454.1, NM_001407455.1, NM_001407456.1 and 1 more transcripts); c.2722T>A, p.Ser908Thr (NM_001407450.1, NM_001127510.3, NM_001354895.2); c.2701T>A, p.Ser901Thr (NM_001407451.1); c.2692T>A, p.Ser898Thr (NM_001407452.1); c.2668T>A, p.Ser890Thr (NM_001127511.3); c.2752T>A, p.Ser918Thr (NM_001354897.2); and 11 more; short protein forms S748T, S779T, S782T, S880T, S901T, S524T, S807T, S825T.
Identifiers: ClinVar variation 2566955 (VCV002566955.3), dbSNP rs2149876009, ClinGen allele CA16027270.